The following is an entry in ClinVar:

NM_003072.5(SMARCA4):c.4424+6C>T

Gene: SMARCA4 (SWI/SNF related BAF chromatin remodeling complex subunit ATPase 4; plus strand). Cytogenetic location: 19p13.2.
Variant type: single nucleotide variant.
Coding change: c.4424+6C>T on transcript NM_003072.5 (MANE Select); 6 bases into the intron after coding-DNA position 4424, C replaced by T.
Molecular consequence: intron variant.
Genome position (GRCh38, 1-based): chr19:11,041,566, C>T. VCF-style: chr19-11041566-C-T. GRCh37 (hg19) VCF-style: chr19-11152242-C-T.
Other names: c.4424+6C>T (NM_001128844.3); c.4520+6C>T (NM_001128849.3, NM_001387283.1); c.4325+6C>T (NM_001128847.4, NM_001374457.1, NM_001128848.2); c.4334+6C>T (NM_001128845.2, NM_001128846.2).
Identifiers: ClinVar variation 470402 (VCV000470402.15), dbSNP rs778283753, ClinGen allele CA9204715.

ClinVar aggregate classification (germline): Conflicting classifications of pathogenicity. Review status: criteria provided, conflicting classifications (1 of 4 stars). 5 submissions from 5 submitters: Uncertain significance (3); Likely benign (2). Last evaluated 2026-07-08.

Conditions:
Rhabdoid tumor predisposition syndrome 2 (RTPS2). Identifiers: Orphanet 231108, Orphanet 69077, MedGen C2750074, MONDO:0013224, OMIM 613325.
Intellectual disability, autosomal dominant 16 (CSS4). Also called: COFFIN-SIRIS SYNDROME 4. Identifiers: Orphanet 1465, MedGen C3553249, MONDO:0013821, OMIM 614609.
Hereditary cancer-predisposing syndrome. Also called: Tumor predisposition; Neoplastic Syndromes, Hereditary; Hereditary Cancer Syndrome; Hereditary neoplastic syndrome. Identifiers: Orphanet 140162, MedGen C0027672, MeSH D009386, MONDO:0015356.

Allele frequency attached by ClinVar (database versions not stated): TOPMed 0.00002; ExAC 0.00003; gnomAD exomes 0.00002.
gnomAD v4.1: 26 of 1,611,464 alleles (0.0016%); highest among the groups gnomAD compares: Admixed American, 0.0083%; no homozygotes.

Submissions (5):

Myriad Genetics, Inc.
Classification: Likely benign for Rhabdoid tumor predisposition syndrome 2. Last evaluated: 2026-07-08. Review status: criteria provided, single submitter. Criteria: Myriad Autosomal Dominant, Autosomal Recessive and X-Linked Classification Criteria (2023). Collection method: clinical testing. Allele origin: unknown.
Comment: This variant is considered likely benign. This variant is intronic and is not expected to impact mRNA splicing.

Labcorp Genetics (formerly Invitae), Labcorp
Classification: Likely benign for Rhabdoid tumor predisposition syndrome 2. Last evaluated: 2025-11-13. Review status: criteria provided, single submitter. Criteria: Invitae Variant Classification Sherloc (09022015). Collection method: clinical testing. Allele origin: germline.

Sema4
Classification: Uncertain significance for Hereditary cancer-predisposing syndrome. Last evaluated: 2022-02-04. Review status: criteria provided, single submitter. Criteria: Sema4 Curation Guidelines. Collection method: curation. Allele origin: germline.
Comment: The SMARCA4 c.4520+6C>T variant has not been reported in the literature to our knowledge. This variant was observed in 3/34542 chromosomes in the Latino population according to the Genome Aggregation Database (PMID: 32461654). This variant has been reported in ClinVar (Variation ID: 470402). In silico tools developed to predict the effect of sequence changes on RNA splicing suggest this variant may create a splice site in intron 31, though these predictions have not been confirmed by functional studies.The evidence is insufficient to meet ACMG/AMP criteria for classifying the variant as benign or pathogenic. Thus, the clinical significance of this variant is currently uncertain.

Genome-Nilou Lab
Classification: Uncertain significance for Intellectual disability, autosomal dominant 16. Last evaluated: 2021-07-15. Review status: criteria provided, single submitter. Criteria: ACMG Guidelines, 2015. Collection method: clinical testing. Allele origin: germline. Affected: no.

Fulgent Genetics
Classification: Uncertain significance for Rhabdoid tumor predisposition syndrome 2; Intellectual disability, autosomal dominant 16. Last evaluated: 2018-10-31. Review status: criteria provided, single submitter. Criteria: ACMG Guidelines, 2015. Collection method: clinical testing. Allele origin: unknown.